The following is an entry in ClinVar:

ClinVar aggregate classification (germline): Uncertain significance. Review status: criteria provided, multiple submitters, no conflicts (2 of 4 stars). 5 submissions from 5 submitters: Uncertain significance (5). Last evaluated 2026-04-08.

Conditions:
Cardiovascular phenotype. Identifiers: MedGen CN230736.
APOA5-related disorder. Also called: APOA5-related condition.

Allele frequency attached by ClinVar (database versions not stated): TOPMed 0.00001; gnomAD 0.00003; ExAC 0.00008; ESP Exome Variant Server 0.00008; 1000 Genomes Project 30x 0.00016; 1000 Genomes Project 0.00020.

Submissions (5):

PreventionGenetics, part of Exact Sciences
Classification: Uncertain significance for APOA5-related condition. Last evaluated: 2026-04-08. Review status: criteria provided, single submitter. Criteria: ACMG Guidelines, 2015. Collection method: clinical testing. Allele origin: germline.
Comment: The APOA5 c.161+5G>C variant is predicted to interfere with splicing. However, such computer prediction programs are imperfect. This variant is reported in 0.0073% of alleles in individuals of African descent in gnomAD. Although we suspect that this variant may be pathogenic, at this time, the clinical significance of this variant is uncertain due to the absence of conclusive functional and genetic evidence.

Ambry Genetics
Classification: Uncertain significance for Cardiovascular phenotype. Last evaluated: 2025-07-11. Review status: criteria provided, single submitter. Criteria: Ambry Variant Classification Scheme 2023. Collection method: clinical testing. Allele origin: germline.
Comment: The c.161+5G>C intronic variant results from a G to C substitution 5 nucleotides after coding exon 2 in the APOA5 gene. This variant has been identified in the homozygous state in individual(s) with features consistent with chylomicronemia syndrome (Henneman P et al. J Intern Med, 2008 Jan;263:107-8). This variant was reported as heterozygous in individual(s) with features consistent with hypertriglyceridemia (Koopal C et al. BMJ Case Rep, 2019 Apr;12:[ePub ahead of print]). This nucleotide position is highly conserved in available vertebrate species. In silico splice site analysis predicts that this alteration will weaken the native splice donor site. Based on the available evidence, the clinical significance of this variant remains unclear.

Labcorp Genetics (formerly Invitae), Labcorp
Classification: Uncertain significance. Last evaluated: 2023-09-08. Review status: criteria provided, single submitter. Criteria: Invitae Variant Classification Sherloc (09022015). Collection method: clinical testing. Allele origin: germline.
Comment: In summary, the available evidence is currently insufficient to determine the role of this variant in disease. Therefore, it has been classified as a Variant of Uncertain Significance. Variants that disrupt the consensus splice site are a relatively common cause of aberrant splicing (PMID: 17576681, 9536098). Algorithms developed to predict the effect of sequence changes on RNA splicing suggest that this variant may disrupt the consensus splice site. ClinVar contains an entry for this variant (Variation ID: 1338538). This variant has been observed in individuals with hypertriglyceridaemia (PMID: 18088255, 30948399, 32041611; Invitae). This variant is present in population databases (rs200831171, gnomAD 0.008%). This sequence change falls in intron 3 of the APOA5 gene. It does not directly change the encoded amino acid sequence of the APOA5 protein. It affects a nucleotide within the consensus splice site.

Blueprint Genetics
Classification: Uncertain significance. Last evaluated: 2022-06-08. Review status: criteria provided, single submitter. Criteria: ACMG Guidelines, 2015. Collection method: clinical testing. Allele origin: germline.

Genetic Services Laboratory, University of Chicago
Classification: Uncertain significance. Last evaluated: 2019-08-28. Review status: criteria provided, single submitter. Criteria: ACMG Guidelines, 2015. Collection method: clinical testing. Allele origin: germline. Affected: no.

Literature cited by the submitters: PubMed 18088255 (cited by Ambry Genetics and Labcorp Genetics (formerly Invitae), Labcorp); PubMed 30948399 (cited by Ambry Genetics and Labcorp Genetics (formerly Invitae), Labcorp); PubMed 17576681 (cited by Labcorp Genetics (formerly Invitae), Labcorp); PubMed 9536098 (cited by Labcorp Genetics (formerly Invitae), Labcorp); PubMed 32041611 (cited by Labcorp Genetics (formerly Invitae), Labcorp).

NM_001371904.1(APOA5):c.161+5G>C

Genes: APOA5 (apolipoprotein A5; minus strand), LOC108491825 (enhancer-blocking element 11-1-2 overlapping APOA5; plus strand). Cytogenetic location: 11q23.3.
Variant type: single nucleotide variant.
Coding change: c.161+5G>C on transcript NM_001371904.1 (MANE Select); 5 bases into the intron after coding-DNA position 161, G replaced by C.
Molecular consequence: intron variant.
Genome position (GRCh38, 1-based): chr11:116,791,581, C>G on the plus strand (G>C on the coding strand, the complement: APOA5 is on the minus strand). VCF-style: chr11-116791581-C-G. GRCh37 (hg19) VCF-style: chr11-116662297-C-G.
Other names: c.161+5G>C (NM_001166598.2, NM_052968.5).
Identifiers: ClinVar variation 1338538 (VCV001338538.14), dbSNP rs200831171, ClinGen allele CA6289147.
Genomic context (GRCh38, chr11:116,791,581, plus strand): 5'-AGGTCATCATGGCATGGCCCAGCTGTCTCCTCCCTTCGCCTACACCCCTTCCCCTGGGCA[C>G]TCACGCGGGCTCGCGAGCCATCTTCTGCTGATGGATCTGCTCCACCCTGCCTTTGTCCCC-3'